The following is an entry in ClinVar:

ClinVar aggregate classification (germline): Likely pathogenic (1 of 4 stars; one submission).

Conditions:
Congenital stationary night blindness autosomal dominant 2. Also called: NIGHT BLINDNESS, CONGENITAL STATIONARY, RAMBUSCH TYPE. Identifiers: Orphanet 215, MedGen C1876182, MONDO:0008099, OMIM 163500.

Allele frequency attached by ClinVar (database versions not stated): gnomAD exomes below 0.00001.

Submission:

MVZ Medizinische Genetik Mainz
Classification: Likely pathogenic for Congenital stationary night blindness autosomal dominant 2. Last evaluated: 2023-02-09. Review status: criteria provided, single submitter. Criteria: UK Practice Guidelines For Variant Classification V4 01 2020. Collection method: clinical testing. Allele origin: germline. Inheritance: Autosomal dominant inheritance. Affected: yes. Observed: 1 variant allele.
Comment: ACMG Criteria: PVS1, PM2_SUP

NM_000283.4(PDE6B):c.241del (p.Arg81fs)

Gene: PDE6B (phosphodiesterase 6B; plus strand). Cytogenetic location: 4p16.3.
Variant type: Deletion.
Coding change: c.241del on transcript NM_000283.4 (MANE Select); coding-DNA position 241, one base deleted (C; older notation c.241delC).
Protein change: p.Arg81fs; shifts the reading frame from arginine 81.
Molecular consequence: frameshift variant.
Genome position (GRCh38, 1-based): chr4:625,867, C deleted. VCF-style (leftmost placement, unchanged base first): chr4-625866-GC-G. GRCh37 (hg19) VCF-style: chr4-619655-GC-G.
Other names: c.241del, p.Arg81fs (NM_001145291.2); short protein forms R81fs.
Identifiers: ClinVar variation 3068349 (VCV003068349.1), dbSNP rs2474073903, ClinGen allele CA2669412186.
Genomic context (GRCh38, chr4:625,866, plus strand): 5'-GGAGCTGGTGCAGGATATGCAGGAGAGCATCAACATGGAGCGCGTGGTCTTCAAGGTCCT[GC>G]GGCGCCTCTGCACCCTCCTGCAGGCCGACCGCTGCAGCCTCTTCATGTACCGCCAGCGCA-3'